The following is an entry in ClinVar:

ClinVar aggregate classification (germline): Uncertain significance. Review status: criteria provided, multiple submitters, no conflicts (2 of 4 stars). 3 submissions from 3 submitters: Uncertain significance (3). Last evaluated 2024-09-29.

Conditions:
Dilated cardiomyopathy 1AA (CMD1AA). Also called: Cardiomyopathy, dilated, 1AA, with or without LVNC; CARDIOMYOPATHY, DILATED, 1AA, WITH OR WITHOUT LEFT VENTRICULAR NONCOMPACTION; CARDIOMYOPATHY, FAMILIAL HYPERTROPHIC, 23, WITH OR WITHOUT LEFT VENTRICULAR NONCOMPACTION. Identifiers: Orphanet 154, MedGen C2677338, MONDO:0012808, OMIM 612158.
Myopathy, congenital, with structured cores and z-line abnormalities. Also called: MULTIPLE STRUCTURED CORE DISEASE; CONGENITAL MYOPATHY 8. Identifiers: MedGen C5231445, MONDO:0032852, OMIM 618654.
Myopathy, distal, 6, adult-onset, autosomal dominant. Identifiers: MedGen C5203349, MONDO:0032853, OMIM 618655.
Cardiovascular phenotype. Identifiers: MedGen CN230736.
Primary familial hypertrophic cardiomyopathy (HCM). Identifiers: Orphanet 99739, MedGen C0949658, MeSH D024741, MONDO:0024573. Inheritance: Various modes of inheritance.

Allele frequency attached by ClinVar (database versions not stated): gnomAD 0.00001.
gnomAD v4.1: 2 of 1,613,528 alleles (0.00012%); highest among the groups gnomAD compares: Non-Finnish European, 0.00017%; no homozygotes.

Submissions (3):

Labcorp Genetics (formerly Invitae), Labcorp
Classification: Uncertain significance for Primary familial hypertrophic cardiomyopathy; Dilated cardiomyopathy 1AA. Last evaluated: 2024-09-29. Review status: criteria provided, single submitter. Criteria: Invitae Variant Classification Sherloc (09022015). Collection method: clinical testing. Allele origin: germline.
Comment: This sequence change replaces alanine, which is neutral and non-polar, with serine, which is neutral and polar, at codon 46 of the ACTN2 protein (p.Ala46Ser). This variant is present in population databases (no rsID available, gnomAD 0.007%). This variant has not been reported in the literature in individuals affected with ACTN2-related conditions. ClinVar contains an entry for this variant (Variation ID: 639511). Invitae Evidence Modeling of protein sequence and biophysical properties (such as structural, functional, and spatial information, amino acid conservation, physicochemical variation, residue mobility, and thermodynamic stability) indicates that this missense variant is expected to disrupt ACTN2 protein function with a positive predictive value of 80%. In summary, the available evidence is currently insufficient to determine the role of this variant in disease. Therefore, it has been classified as a Variant of Uncertain Significance.

Ambry Genetics
Classification: Uncertain significance for Cardiovascular phenotype. Last evaluated: 2024-06-03. Review status: criteria provided, single submitter. Criteria: Ambry Variant Classification Scheme 2023. Collection method: clinical testing. Allele origin: germline.
Comment: The p.A46S variant (also known as c.136G>T), located in coding exon 2 of the ACTN2 gene, results from a G to T substitution at nucleotide position 136. The alanine at codon 46 is replaced by serine, an amino acid with similar properties. This amino acid position is conserved. In addition, the in silico prediction for this alteration is inconclusive. Based on the available evidence, the clinical significance of this variant remains unclear.

Fulgent Genetics
Classification: Uncertain significance for Dilated cardiomyopathy 1AA; Myopathy, congenital, with structured cores and z-line abnormalities; Myopathy, distal, 6, adult-onset, autosomal dominant. Last evaluated: 2021-11-04. Review status: criteria provided, single submitter. Criteria: ACMG Guidelines, 2015. Collection method: clinical testing. Allele origin: unknown.

NM_001103.4(ACTN2):c.136G>T (p.Ala46Ser)

Gene: ACTN2 (actinin alpha 2; plus strand). Cytogenetic location: 1q43.
Variant type: single nucleotide variant.
Coding change: c.136G>T on transcript NM_001103.4 (MANE Select); coding-DNA position 136, G replaced by T.
Protein change: p.Ala46Ser; replaces alanine 46 with serine.
Molecular consequence: missense variant. On other transcripts: 5 prime UTR variant (1).
Genome position (GRCh38, 1-based): chr1:236,717,867, G>T. VCF-style: chr1-236717867-G-T. GRCh37 (hg19) VCF-style: chr1-236881167-G-T.
Other names: c.136G>T (NM_001103.2); c.136G>T, p.Ala46Ser (NM_001278343.2); c.-686G>T (NM_001278344.2); short protein forms A46S.
Identifiers: ClinVar variation 639511 (VCV000639511.13), dbSNP rs1311487466, ClinGen allele CA345373191.